The following is an entry in ClinVar:

NM_003612.5(SEMA7A):c.1920G>A (p.Leu640=)

Gene: SEMA7A (semaphorin 7A (JohnMiltonHagen blood group); minus strand). Cytogenetic location: 15q24.1.
Variant type: single nucleotide variant.
Coding change: c.1920G>A on transcript NM_003612.5 (MANE Select); coding-DNA position 1920, G replaced by A.
Protein change: p.Leu640=; no amino-acid change (leucine 640 retained).
Molecular consequence: synonymous variant.
Genome position (GRCh38, 1-based): chr15:74,410,705, C>T on the plus strand (G>A on the coding strand, the complement: SEMA7A is on the minus strand). VCF-style: chr15-74410705-C-T. GRCh37 (hg19) VCF-style: chr15-74703046-C-T.
Other names: c.1878G>A, p.Leu626= (NM_001146029.3); c.1425G>A, p.Leu475= (NM_001146030.3).
Identifiers: ClinVar variation 4989872 (VCV004989872.1).

ClinVar aggregate classification (germline): Likely benign (1 of 4 stars; one submission).

Conditions:
SEMA7A-related disorder. Also called: SEMA7A-related condition.

gnomAD v4.1: 110 of 1,613,692 alleles (0.0068%); highest among the groups gnomAD compares: East Asian, 0.21%; no homozygotes.

Submission:

PreventionGenetics, part of Exact Sciences
Classification: Likely benign for SEMA7A-related condition. Last evaluated: 2026-08-17. Review status: criteria provided, single submitter. Criteria: ACMG Guidelines, 2015. Collection method: clinical testing. Allele origin: germline.
Comment: This variant is classified as likely benign based on ACMG/AMP sequence variant interpretation guidelines (Richards et al. 2015 PMID: 25741868, with internal and published modifications).